The following is an entry in ClinVar:

ClinVar aggregate classification (germline): Uncertain significance (1 of 4 stars; one submission).

Conditions:
Inborn genetic diseases. Identifiers: MedGen C0950123, MeSH D030342.

gnomAD v4.1: 1 of 1,613,852 alleles (0.000062%); highest among the groups gnomAD compares: African/African-American, 0.0013%; no homozygotes.

Submission:

Ambry Genetics
Classification: Uncertain significance for Inborn genetic diseases. Last evaluated: 2025-09-19. Review status: criteria provided, single submitter. Criteria: Ambry Variant Classification Scheme 2023. Collection method: clinical testing. Allele origin: germline.
Comment: The p.V1097E variant (also known as c.3290T>A), located in coding exon 24 of the ANKRD26 gene, results from a T to A substitution at nucleotide position 3290. The valine at codon 1097 is replaced by glutamic acid, an amino acid with dissimilar properties. This amino acid position is conserved. In addition, this alteration is predicted to be tolerated by in silico analysis. Based on the available evidence, the clinical significance of this variant remains unclear.

NM_014915.3(ANKRD26):c.3290T>A (p.Val1097Glu)

Gene: ANKRD26 (ankyrin repeat domain 26; minus strand). Cytogenetic location: 10p12.1.
Variant type: single nucleotide variant.
Coding change: c.3290T>A on transcript NM_014915.3 (MANE Select); coding-DNA position 3290, T replaced by A.
Protein change: p.Val1097Glu; replaces valine 1097 with glutamic acid.
Molecular consequence: missense variant.
Genome position (GRCh38, 1-based): chr10:27,035,160, A>T on the plus strand (T>A on the coding strand, the complement: ANKRD26 is on the minus strand). VCF-style: chr10-27035160-A-T. GRCh37 (hg19) VCF-style: chr10-27324089-A-T.
Other names: c.3287T>A, p.Val1096Glu (NM_001256053.2); short protein forms V1096E, V1097E.
Identifiers: ClinVar variation 4578796 (VCV004578796.1).
Genomic context (GRCh38, chr10:27,035,160, plus strand): 5'-TTTTGATACTTTTGTTCCATTTCCTTCATTTGACACTGTGTTTGGCTTAGGTCCTTTTGT[A>T]CCCGTTCTAAACCCAAAGTCTTTTCTCTGAGGGCATCTCTCGTGTGATGGAACTCAATTT-3'
Protein context (NP_055730.2, residues 1087-1107): LREKTLGLER[Val1097Glu]QKDLSQTQCQ